The following is an entry in ClinVar:

NM_001830.4(CLCN4):c.698_699delinsTT (p.Cys233Phe)

Gene: CLCN4 (chloride voltage-gated channel 4; plus strand). Cytogenetic location: Xp22.2.
Variant type: Indel.
Coding change: c.698_699delinsTT on transcript NM_001830.4 (MANE Select); coding-DNA positions 698 to 699, GC replaced by TT.
Protein change: p.Cys233Phe; replaces cysteine 233 with phenylalanine.
Molecular consequence: missense variant.
Genome position (GRCh38, 1-based): chrX:10,206,500-10,206,501, GC replaced by TT. VCF-style: chrX-10206500-GC-TT. GRCh37 (hg19) VCF-style: chrX-10174540-GC-TT.
Other names: c.416_417delinsTT, p.Cys139Phe (NM_001256944.2); short protein forms C233F, C139F.
Identifiers: ClinVar variation 4715119 (VCV004715119.1).

ClinVar aggregate classification (germline): Uncertain significance (1 of 4 stars; one submission).

Submission:

Labcorp Genetics (formerly Invitae), Labcorp
Classification: Uncertain significance. Last evaluated: 2025-04-27. Review status: criteria provided, single submitter. Criteria: Invitae Variant Classification Sherloc (09022015). Collection method: clinical testing. Allele origin: germline.
Comment: This sequence change replaces cysteine, which is neutral and slightly polar, with phenylalanine, which is neutral and non-polar, at codon 233 of the CLCN4 protein (p.Cys233Phe). Information on the frequency of this variant in the gnomAD database is not available, as this variant may be reported differently in the database. This variant has not been reported in the literature in individuals affected with CLCN4-related conditions. An algorithm developed to predict the effect of missense changes on protein structure and function (PolyPhen-2) suggests that this variant is likely to be disruptive. In summary, the available evidence is currently insufficient to determine the role of this variant in disease. Therefore, it has been classified as a Variant of Uncertain Significance.